The following is an entry in ClinVar:

NM_014484.5(MOCS3):c.475C>T (p.Gln159Ter)

Gene: MOCS3 (molybdenum cofactor synthesis 3; plus strand). Cytogenetic location: 20q13.13.
Variant type: single nucleotide variant.
Coding change: c.475C>T on transcript NM_014484.5 (MANE Select); coding-DNA position 475, C replaced by T.
Protein change: p.Gln159Ter; replaces glutamine 159 with a stop codon.
Molecular consequence: nonsense.
Genome position (GRCh38, 1-based): chr20:50,959,317, C>T. VCF-style: chr20-50959317-C-T. GRCh37 (hg19) VCF-style: chr20-49575854-C-T.
Other names: short protein forms Q159*.
Identifiers: ClinVar variation 1388542 (VCV001388542.6), dbSNP rs2123159159, ClinGen allele CA408983096.

ClinVar aggregate classification (germline): Uncertain significance (1 of 4 stars; one submission).

Allele frequency attached by ClinVar (database versions not stated): gnomAD exomes below 0.00001.
gnomAD v4.1: 1 of 1,610,388 alleles (0.000062%); highest among the groups gnomAD compares: African/African-American, 0.0013%; no homozygotes.

Submission:

Labcorp Genetics (formerly Invitae), Labcorp
Classification: Uncertain significance. Last evaluated: 2022-06-28. Review status: criteria provided, single submitter. Criteria: Invitae Variant Classification Sherloc (09022015). Collection method: clinical testing. Allele origin: germline.
Comment: In summary, the available evidence is currently insufficient to determine the role of this variant in disease. Therefore, it has been classified as a Variant of Uncertain Significance. Experimental studies and prediction algorithms are not available or were not evaluated, and the functional significance of this variant is currently unknown. This variant has not been reported in the literature in individuals affected with MOCS3-related conditions. This variant is not present in population databases (gnomAD no frequency). This sequence change creates a premature translational stop signal (p.Gln159*) in the MOCS3 gene. While this is not anticipated to result in nonsense mediated decay, it is expected to disrupt the last 302 amino acid(s) of the MOCS3 protein.